The following is an entry in ClinVar:

NM_015910.7(WDPCP):c.689C>G (p.Ala230Gly)

Gene: WDPCP (WD repeat containing planar cell polarity effector; minus strand). Cytogenetic location: 2p15.
Variant type: single nucleotide variant.
Coding change: c.689C>G on transcript NM_015910.7 (MANE Select); coding-DNA position 689, C replaced by G.
Protein change: p.Ala230Gly; replaces alanine 230 with glycine.
Molecular consequence: missense variant. On other transcripts: non-coding transcript variant (3).
Genome position (GRCh38, 1-based): chr2:63,433,881, G>C on the plus strand (C>G on the coding strand, the complement: WDPCP is on the minus strand). VCF-style: chr2-63433881-G-C. GRCh37 (hg19) VCF-style: chr2-63661015-G-C.
Other names: c.212C>G, p.Ala71Gly (NM_001042692.3); c.617C>G, p.Ala206Gly (NM_001354044.2); c.689C>G, p.Ala230Gly (NM_001354045.2); short protein forms A71G, A230G, A206G.
Identifiers: ClinVar variation 5000997 (VCV005000997.1).

ClinVar aggregate classification (germline): Uncertain significance (1 of 4 stars; one submission).

Conditions:
WDPCP-related disorder. Also called: WDPCP-related condition.

gnomAD v4.1: 1 of 1,613,996 alleles (0.000062%); highest among the groups gnomAD compares: Non-Finnish European, 0.000085%; no homozygotes.

Submission:

PreventionGenetics, part of Exact Sciences
Classification: Uncertain significance for WDPCP-related condition. Last evaluated: 2026-05-27. Review status: criteria provided, single submitter. Criteria: ACMG Guidelines, 2015. Collection method: clinical testing. Allele origin: germline.
Comment: The WDPCP c.689C>G variant is predicted to result in the amino acid substitution p.Ala230Gly. To our knowledge, this variant has not been reported in the literature. This variant is reported in 0.00088% of alleles in individuals of European (Non-Finnish) descent in gnomAD. At this time, the clinical significance of this variant is uncertain due to the absence of conclusive functional and genetic evidence.